The following is an entry in ClinVar:

NM_000795.4(DRD2):c.928C>T (p.Pro310Ser)

Gene: DRD2 (dopamine receptor D2; minus strand). Cytogenetic location: 11q23.2.
Variant type: single nucleotide variant.
Coding change: c.928C>T on transcript NM_000795.4 (MANE Select); coding-DNA position 928, C replaced by T.
Protein change: p.Pro310Ser; replaces proline 310 with serine.
Molecular consequence: missense variant.
Genome position (GRCh38, 1-based): chr11:113,412,766, G>A on the plus strand (C>T on the coding strand, the complement: DRD2 is on the minus strand). VCF-style: chr11-113412766-G-A. GRCh37 (hg19) VCF-style: chr11-113283488-G-A.
Other names: c.841C>T, p.Pro281Ser (NM_016574.4); short protein forms P310S, P281S.
Identifiers: ClinVar variation 256812 (VCV000256812.36), dbSNP rs1800496, ClinGen allele CA6281229.

ClinVar aggregate classification (germline): Conflicting classifications of pathogenicity. Review status: criteria provided, conflicting classifications (1 of 4 stars). 7 submissions from 7 submitters: Uncertain significance (2); Likely benign (5). Last evaluated 2026-06-01.

Conditions:
DRD2-associated Dystonia.
Dystonic disorder. Also called: Dystonia. Identifiers: MedGen C0013421, MONDO:0003441, HP:0001332.

Allele frequency attached by ClinVar (database versions not stated): 1000 Genomes Project 30x 0.00062; ESP Exome Variant Server 0.00062; 1000 Genomes Project 0.00080; gnomAD exomes 0.00102 and 0.00158; gnomAD 0.00103 and 0.00115; TOPMed 0.00121; ExAC 0.00137.
gnomAD v4.1: 1,751 of 1,613,788 alleles (0.11%); highest among the groups gnomAD compares: Middle Eastern, 2.8%; 24 homozygotes.

Submissions (7):

CeGaT Center for Human Genetics Tuebingen
Classification: Likely benign. Last evaluated: 2026-06-01. Review status: criteria provided, single submitter. Criteria: CeGaT Center For Human Genetics Tuebingen Variant Classification Criteria Version 2. Collection method: clinical testing. Allele origin: germline. Affected: yes. Observed: 2 variant alleles.
Comment: DRD2: BP4, BS1

Labcorp Genetics (formerly Invitae), Labcorp
Classification: Likely benign for Dystonic disorder. Last evaluated: 2025-11-24. Review status: criteria provided, single submitter. Criteria: Invitae Variant Classification Sherloc (09022015). Collection method: clinical testing. Allele origin: germline.

Genomic Medicine Center of Excellence, King Faisal Specialist Hospital and Research Centre
Classification: Likely benign for Dystonic disorder. Last evaluated: 2025-07-30. Review status: criteria provided, single submitter. Criteria: ACMG Guidelines, 2015. Collection method: clinical testing. Allele origin: germline.

Blueprint Genetics
Classification: Likely benign. Last evaluated: 2024-11-12. Review status: criteria provided, single submitter. Criteria: ACMG Guidelines, 2015. Collection method: clinical testing. Allele origin: germline.

New York Genome Center
Classification: Uncertain significance for DRD2-associated Dystonia. Last evaluated: 2021-07-09. Review status: criteria provided, single submitter. Criteria: NYGC Assertion Criteria 2020. Collection method: clinical testing. Allele origin: inherited. Observed: 1 heterozygote. Study: CSER-NYCKidSeq.

Eurofins Ntd Llc (ga)
Classification: Uncertain significance. Last evaluated: 2016-09-06. Review status: criteria provided, single submitter. Criteria: EGL Classification Definitions 2015. Collection method: clinical testing. Allele origin: germline. Observed: 3 variant alleles, 3 heterozygotes.

PreventionGenetics, part of Exact Sciences
Classification: Likely benign. Review status: criteria provided, single submitter. Criteria: ACMG Guidelines, 2015. Collection method: clinical testing. Allele origin: germline.